The following is an entry in ClinVar:

NM_000384.3(APOB):c.8551G>T (p.Glu2851Ter)

Gene: APOB (apolipoprotein B; minus strand). Cytogenetic location: 2p24.1.
Variant type: single nucleotide variant.
Coding change: c.8551G>T on transcript NM_000384.3 (MANE Select); coding-DNA position 8551, G replaced by T.
Protein change: p.Glu2851Ter; replaces glutamic acid 2851 with a stop codon.
Molecular consequence: nonsense.
Genome position (GRCh38, 1-based): chr2:21,008,317, C>A on the plus strand (G>T on the coding strand, the complement: APOB is on the minus strand). VCF-style: chr2-21008317-C-A. GRCh37 (hg19) VCF-style: chr2-21231189-C-A.
Other names: short protein forms E2851*.
Identifiers: ClinVar variation 5019914 (VCV005019914.2).

ClinVar aggregate classification (germline): Likely pathogenic (1 of 4 stars; one submission).

Conditions:
Hypercholesterolemia, autosomal dominant, type B (FHCL2). Also called: APOB-Related Familial Hypercholesterolemia, Autosomal Dominant; APOLIPOPROTEIN B-100, FAMILIAL DEFECTIVE; APOLIPOPROTEIN B-100, FAMILIAL LIGAND-DEFECTIVE; HYPERCHOLESTEROLEMIA, FAMILIAL, DUE TO LIGAND-DEFECTIVE APOLIPOPROTEIN B; Familial hypercholesterolemia 2; Familial Hypercholesterolemia Type B. Identifiers: MedGen C1704417, MONDO:0007751, OMIM 144010.

gnomAD v4.1: 1 of 1,613,042 alleles (0.000062%); highest among the groups gnomAD compares: Non-Finnish European, 0.000085%; no homozygotes.

Submission:

Juno Genomics, Hangzhou Juno Genomics, Inc
Classification: Likely pathogenic for Hypercholesterolemia, autosomal dominant, type B. Review status: criteria provided, single submitter. Criteria: ACMG Guidelines, 2015. Collection method: clinical testing. Allele origin: germline.
Comment: Absent from controls (or at extremely low frequency if recessive) in Genome Aggregation Database.;Null variant in a gene where loss of function (LOF) is a known mechanism of disease.